The following is an entry in ClinVar:

NM_001018005.2(TPM1):c.14AGA[2] (p.Lys7del)

Gene: TPM1 (tropomyosin 1; plus strand). Cytogenetic location: 15q22.2.
Variant type: Microsatellite.
Coding change: c.14AGA[2] on transcript NM_001018005.2 (MANE Select); two copies in a row of the 3-base unit AGA starting at c.14; the reference has three copies in a row; one copy, 3 bases deleted; also written c.20_22del.
Protein change: p.Lys7del; deletes lysine 7.
Molecular consequence: inframe deletion.
Genome position (GRCh38, 1-based): chr15:63,042,849-63,042,851, AGA deleted; deleting any 3 consecutive bases within chr15:63,042,842-63,042,851 gives the same sequence; the position shown is the placement nearest the transcript's 3' end. VCF-style (leftmost placement, unchanged base first): chr15-63042841-CAAG-C. GRCh37 (hg19) VCF-style: chr15-63335040-CAAG-C.
Other names: c.14AGA[2], p.Lys7del (NM_000366.6, NM_001018004.2, NM_001018006.2 and 7 more transcripts); c.20_22del (NM_001018005.1); short protein forms K7del.
Identifiers: ClinVar variation 181682 (VCV000181682.19), dbSNP rs730881155, ClinGen allele CA018708.

ClinVar aggregate classification (germline): Conflicting classifications of pathogenicity. Review status: criteria provided, conflicting classifications (1 of 4 stars). 3 submissions from 3 submitters: Pathogenic (1); Uncertain significance (2). Last evaluated 2025-11-13.

Conditions:
TPM1-related disorder. Also called: TPM1-related condition.
Hypertrophic cardiomyopathy. Also called: HYPERTROPHIC MYOCARDIOPATHY. Identifiers: Orphanet 217569, MedGen C0007194, MeSH D002312, MONDO:0005045, HP:0001639.

Submissions (3):

GeneDx
Classification: Uncertain significance. Last evaluated: 2025-11-13. Review status: criteria provided, single submitter. Criteria: GeneDx Variant Classification Process June 2021. Collection method: clinical testing. Allele origin: germline. Affected: yes.
Comment: Identified in a large family with several affected family members with atrial septal defects (PMID: 35243414); Not observed at significant frequency in large population cohorts (gnomAD); In-frame deletion of 1 amino acid in a non-repeat region; In silico analysis supports a deleterious effect on protein structure/function; This variant is associated with the following publications: (PMID: 35243414)

Labcorp Genetics (formerly Invitae), Labcorp
Classification: Uncertain significance for Hypertrophic cardiomyopathy. Last evaluated: 2024-08-20. Review status: criteria provided, single submitter. Criteria: Invitae Variant Classification Sherloc (09022015). Collection method: clinical testing. Allele origin: germline.
Comment: This variant, c.20_22del, results in the deletion of 1 amino acid(s) of the TPM1 protein (p.Lys7del), but otherwise preserves the integrity of the reading frame. This variant is not present in population databases (gnomAD no frequency). This variant has been observed in individual(s) with atrial septal defect (PMID: 35243414). This variant is also known as c.13_15del (p.K5del). ClinVar contains an entry for this variant (Variation ID: 181682). Experimental studies and prediction algorithms are not available or were not evaluated, and the functional significance of this variant is currently unknown. In summary, the available evidence is currently insufficient to determine the role of this variant in disease. Therefore, it has been classified as a Variant of Uncertain Significance.

Blueprint Genetics
Classification: Pathogenic for TPM1-related disorders. Last evaluated: 2024-03-18. Review status: criteria provided, single submitter. Criteria: ACMG Guidelines, 2015. Collection method: clinical testing. Allele origin: germline. Affected: yes. Observed: 3 variant alleles.

Literature cited by the submitters: PubMed 35243414 (cited by Labcorp Genetics (formerly Invitae), Labcorp).